The following is an entry in ClinVar:

ClinVar aggregate classification (germline): Likely benign. Review status: criteria provided, multiple submitters, no conflicts (2 of 4 stars). 3 submissions from 3 submitters: Likely benign (2). 1 of the submissions does not count toward it. Last evaluated 2026-01-28.

Conditions:
TOPORS-related disorder. Also called: TOPORS-related condition.

Allele frequency attached by ClinVar (database versions not stated): gnomAD exomes 0.00007 and 0.00017; ExAC 0.00025; 1000 Genomes Project 30x 0.00047; 1000 Genomes Project 0.00060; ESP Exome Variant Server 0.00100.
gnomAD v4.1: 216 of 1,613,954 alleles (0.013%); highest among the groups gnomAD compares: African/African-American, 0.27%; no homozygotes.

Submissions (3):

Labcorp Genetics (formerly Invitae), Labcorp
Classification: Likely benign. Last evaluated: 2026-01-28. Review status: criteria provided, single submitter. Criteria: Invitae Variant Classification Sherloc (09022015). Collection method: clinical testing. Allele origin: germline.

Blueprint Genetics
Classification: Likely benign. Last evaluated: 2024-01-23. Review status: criteria provided, single submitter. Criteria: ACMG Guidelines, 2015. Collection method: clinical testing. Allele origin: germline.

PreventionGenetics, part of Exact Sciences
Classification: Likely benign for TOPORS-related condition. Last evaluated: 2023-03-28. Review status: no assertion criteria provided. Collection method: clinical testing. Allele origin: germline. Not counted in ClinVar's aggregate classification.
Comment: This variant is classified as likely benign based on ACMG/AMP sequence variant interpretation guidelines (Richards et al. 2015 PMID: 25741868, with internal and published modifications).

NM_005802.5(TOPORS):c.1720C>G (p.Leu574Val)

Gene: TOPORS (TOP1 binding arginine/serine rich protein, E3 ubiquitin ligase; minus strand). Cytogenetic location: 9p21.1.
Variant type: single nucleotide variant.
Coding change: c.1720C>G on transcript NM_005802.5 (MANE Select); coding-DNA position 1720, C replaced by G.
Protein change: p.Leu574Val; replaces leucine 574 with valine.
Molecular consequence: missense variant.
Genome position (GRCh38, 1-based): chr9:32,542,805, G>C on the plus strand (C>G on the coding strand, the complement: TOPORS is on the minus strand). VCF-style: chr9-32542805-G-C. GRCh37 (hg19) VCF-style: chr9-32542803-G-C.
Other names: c.1525C>G, p.Leu509Val (NM_001195622.2); c.1720C>G (NM_005802.4); short protein forms L509V, L574V.
Identifiers: ClinVar variation 1093743 (VCV001093743.12), dbSNP rs140007254, ClinGen allele CA5020485.